The following is an entry in ClinVar:

NM_206933.4(USH2A):c.8682-9A>G

Gene: USH2A (usherin; minus strand). Cytogenetic location: 1q41.
Variant type: single nucleotide variant.
Coding change: c.8682-9A>G on transcript NM_206933.4 (MANE Select); 9 bases into the intron before coding-DNA position 8682, A replaced by G.
Molecular consequence: intron variant.
Genome position (GRCh38, 1-based): chr1:215,867,179, T>C on the plus strand (A>G on the coding strand, the complement: USH2A is on the minus strand). VCF-style: chr1-215867179-T-C. GRCh37 (hg19) VCF-style: chr1-216040521-T-C.
Identifiers: ClinVar variation 197510 (VCV000197510.70), dbSNP rs372347027, ClinGen allele CA275277.
Genomic context (GRCh38, chr1:215,867,179, plus strand): 5'-TGTAAAACCCACACTGTTGTGTACGAAGAGCATATATTCATAGGTTGTAAACCTAAAATG[T>C]TGTTTTGTTAAAAAAAGTATATGAATTTCTACTTTACAGAAAATCTAACAAATAATTTCT-3'

ClinVar aggregate classification (germline): Pathogenic. Review status: reviewed by expert panel (3 of 4 stars). 17 submissions from 17 submitters: Pathogenic (1). 16 of the submissions do not count toward it. Last evaluated 2018-09-24.

Conditions:
Usher syndrome. Also called: Usher's syndrome; Usher Syndromes. Identifiers: Orphanet 886, MedGen CN469326, MeSH D052245, MONDO:0019501. Disease mechanism: loss of function.
USH2A-related disorder. Also called: USH2A-related condition; USH2A-related disorders. Identifiers: MedGen CN239332.
Retinal dystrophy. Also called: Inherited retinal dystrophy. Identifiers: Orphanet 71862, MedGen C0854723, MeSH D058499, MONDO:0019118, HP:0000556.
Retinitis pigmentosa 39 (RP39). Identifiers: Orphanet 791, MedGen C3151138, MONDO:0013436, OMIM 613809.
Usher syndrome type 2A. Also called: RETINAL DISEASE IN USHER SYNDROME TYPE IIA, MODIFIER OF; USHER SYNDROME, TYPE IIA. Identifiers: Orphanet 231178, Orphanet 886, MedGen C1848634, MONDO:0010169, OMIM 276901.
Retinitis pigmentosa (RP). Identifiers: Orphanet 791, MedGen C0035334, MeSH D012174, MONDO:0019200, OMIM 268000. Inheritance: Autosomal dominant, autosomal recessive and X linked inheritance.

Allele frequency attached by ClinVar (database versions not stated): gnomAD exomes 0.00003 and 0.00007; gnomAD 0.00004 and 0.00006; TOPMed 0.00004; ESP Exome Variant Server 0.00008; ExAC 0.00009.
gnomAD v4.1: 47 of 1,613,328 alleles (0.0029%); highest among the groups gnomAD compares: Non-Finnish European, 0.0028%; no homozygotes.

Submissions 1 to 12 of 17:

ClinGen Hearing Loss Variant Curation Expert Panel
Classification: Pathogenic for Usher syndrome. Last evaluated: 2018-09-24. Review status: reviewed by expert panel. Criteria: ClinGen HL ACMG Specifications v1. Collection method: curation. Allele origin: germline. Inheritance: Autosomal recessive inheritance.
Comment: The c.8682-9A>G variant in USH2A has been detected in patients with hearing loss in trans with at least 4 pathogenic or suspected-pathogenic variants (PM3_VS; PMID: 27318125, 25425308, 28944237, 23591405). The allele frequency of the c.8682-9A>G variant in the USH2A gene is 0.04% (5/10112) of Ashkenazi Jewish chromosomes by the Genome Aggregation Database, which is a low enough frequency to award PM2_Supporting based on the thresholds defined by the ClinGen Hearing Loss Expert Panel for autosomal recessive hearing loss (PM2_P). At least one patient with this variant displayed features of retinitis pigmentosa and hearing loss which is consistent with Usher syndrome (PP4; PMID: 27318125, 25425308, 28944237, 23591405). Computational prediction tools and conservation analysis suggest that the c.8682-9A>G variant may impact the protein (PP3). In summary, this variant meets criteria to be classified as pathogenic for autosomal recessive usher syndrome based on the ACMG/AMP criteria applied, as specified by the Hearing Loss Expert Panel: PM3_VS, PM2_Supporting, PP4, PP3.

Labcorp Genetics (formerly Invitae), Labcorp
Classification: Pathogenic. Last evaluated: 2026-02-02. Review status: criteria provided, single submitter. Criteria: Invitae Variant Classification Sherloc (09022015). Collection method: clinical testing. Allele origin: germline. Not counted in ClinVar's aggregate classification.
Comment: This sequence change falls in intron 43 of the USH2A gene. It does not directly change the encoded amino acid sequence of the USH2A protein. This variant is present in population databases (rs372347027, gnomAD 0.05%). This variant has been observed in individual(s) with Usher syndrome type II (PMID: 18273898, 23591405, 25425308, 27318125, 28894305, 28944237). In at least one individual the data is consistent with being in trans (on the opposite chromosome) from a pathogenic variant. ClinVar contains an entry for this variant (Variation ID: 197510). Algorithms developed to predict the effect of sequence changes on RNA splicing suggest that this variant may disrupt the consensus splice site. For these reasons, this variant has been classified as Pathogenic.

Natera, Inc.
Classification: Pathogenic for Usher syndrome type 2A. Last evaluated: 2026-01-08. Review status: criteria provided, single submitter. Criteria: Natera Variant Classification Schema (03/2026). Collection method: clinical testing. Allele origin: germline. Not counted in ClinVar's aggregate classification.
Comment: The c.8682-9A>G variant in USH2A is an intronic variant located outside the canonical splice sites. This variant is rare in the general population with a frequency below the threshold expected for the associated phenotype(s). This variant has been observed in one or more individuals affected with the associated recessive disease, as either homozygous or compound heterozygous with a second variant (PMID: 33576794, 23591405, 25425308). Computational prediction algorithms indicate this variant is likely to affect gene or protein function. Given the available evidence, this variant is classified as Pathogenic.

CeGaT Center for Human Genetics Tuebingen
Classification: Pathogenic. Last evaluated: 2025-02-01. Review status: criteria provided, single submitter. Criteria: CeGaT Center For Human Genetics Tuebingen Variant Classification Criteria Version 2. Collection method: clinical testing. Allele origin: germline. Affected: yes. Observed: 3 variant alleles. Not counted in ClinVar's aggregate classification.
Comment: USH2A: PM3:Very Strong, PM2, PP3

Blueprint Genetics
Classification: Pathogenic for USH2A-related disorders. Last evaluated: 2024-10-21. Review status: criteria provided, single submitter. Criteria: ACMG Guidelines, 2015. Collection method: clinical testing. Allele origin: germline. Affected: yes. Observed: 5 variant alleles. Not counted in ClinVar's aggregate classification.

Baylor Genetics
Classification: Pathogenic for Retinitis pigmentosa 39. Last evaluated: 2024-02-17. Review status: criteria provided, single submitter. Criteria: ACMG Guidelines, 2015. Collection method: clinical testing. Allele origin: unknown. Not counted in ClinVar's aggregate classification.

Institute of Human Genetics, University of Leipzig Medical Center
Classification: Pathogenic for Usher syndrome type 2A. Last evaluated: 2022-02-15. Review status: criteria provided, single submitter. Criteria: ACMG Guidelines, 2015. Collection method: clinical testing. Allele origin: unknown. Affected: yes. Not counted in ClinVar's aggregate classification.
Comment: _x000D_ Criteria applied: PM3_VSTR, PS1_SUP, PP3

Institute of Human Genetics, Univ. Regensburg, Univ. Regensburg
Classification: Likely pathogenic for Retinal dystrophy. Last evaluated: 2022-01-01. Review status: criteria provided, single submitter. Criteria: ACMG Guidelines, 2015. Collection method: clinical testing. Allele origin: germline. Affected: yes. Not counted in ClinVar's aggregate classification.

Women's Health and Genetics/Laboratory Corporation of America, LabCorp
Classification: Pathogenic for Usher syndrome. Last evaluated: 2021-08-05. Review status: criteria provided, single submitter. Criteria: LabCorp Variant Classification Summary - May 2015. Collection method: clinical testing. Allele origin: germline. Not counted in ClinVar's aggregate classification.
Comment: Variant summary: USH2A c.8682-9A>G alters a non-conserved nucleotide located close to a canonical splice site and therefore could affect mRNA splicing, leading to a significantly altered protein sequence. Several computational tools predict a significant impact on normal splicing: One predicts the variant abolishes canonical a 3 acceptor site. Two predict the variant creates a cryptic 3 acceptor site. However, these predictions have yet to be confirmed by functional studies. The variant allele was found at a frequency of 6.8e-05 in 250002 control chromosomes (gnomAD and publication data). This frequency is not significantly higher than expected for a pathogenic variant in USH2A causing Usher Syndrome (6.8e-05 vs 0.011), allowing no conclusion about variant significance. c.8682-9A>G has been reported in the literature in multiple individuals affected with Usher Syndrome and Hereditary retinal dystrophies (e.g. Glockle_2013, Zein_2014, Hartel_2016, Neuhanus_2017). These data indicate that the variant is very likely to be associated with disease. To our knowledge, no experimental evidence demonstrating an impact on protein function has been reported. Nine ClinVar submitters (evaluation after 2014) cite the variant as pathogenic (n=4) and likely pathogenic (n=5), including one expert panel (ClinGen Hearing Loss Variant Curation Expert Panel) classified as pathogenic. Based on the evidence outlined above, the variant was classified as pathogenic.

Institute of Medical Genetics and Applied Genomics, University Hospital Tübingen
Classification: Likely pathogenic. Last evaluated: 2021-06-17. Review status: criteria provided, single submitter. Criteria: ACMG Guidelines, 2015. Collection method: clinical testing. Allele origin: germline. Inheritance: Autosomal recessive inheritance. Affected: yes. Not counted in ClinVar's aggregate classification.

Ocular Genomics Institute, Massachusetts Eye and Ear
Classification: Likely pathogenic for Retinitis pigmentosa 39. Last evaluated: 2021-04-08. Review status: criteria provided, single submitter. Criteria: ACMG Guidelines, 2015. Collection method: research. Allele origin: germline. Affected: yes. Not counted in ClinVar's aggregate classification.
Comment: Through a review of available evidence we were able to apply the following criteria: PM2, PM3, PP3, PP4. Based on this evidence we have classified this variant as Likely Pathogenic.

Broad Center for Mendelian Genomics, Broad Institute of MIT and Harvard
Classification: Likely pathogenic for Retinitis pigmentosa. Last evaluated: 2021-04-01. Review status: criteria provided, single submitter. Criteria: ACMG Guidelines, 2015. Collection method: curation. Allele origin: germline. Inheritance: Autosomal recessive inheritance. Affected: yes. Not counted in ClinVar's aggregate classification.
Comment: Through a review of available evidence we were able to apply the following criteria: PM2, PM3, PP3, PP4. Based on this evidence we have classified this variant as Likely Pathogenic. If you have any questions about the classification please reach out to the Pierce Lab.